The following is an entry in ClinVar:

NM_020937.4(FANCM):c.2621T>G (p.Ile874Ser)

Gene: FANCM (FA complementation group M; plus strand). Cytogenetic location: 14q21.2.
Variant type: single nucleotide variant.
Coding change: c.2621T>G on transcript NM_020937.4 (MANE Select); coding-DNA position 2621, T replaced by G.
Protein change: p.Ile874Ser; replaces isoleucine 874 with serine.
Molecular consequence: missense variant.
Genome position (GRCh38, 1-based): chr14:45,175,375, T>G. VCF-style: chr14-45175375-T-G. GRCh37 (hg19) VCF-style: chr14-45644578-T-G.
Other names: c.2543T>G, p.Ile848Ser (NM_001308133.2); short protein forms I848S, I874S.
Identifiers: ClinVar variation 4022772 (VCV004022772.1).

ClinVar aggregate classification (germline): Uncertain significance (1 of 4 stars; one submission).

Conditions:
Inborn genetic diseases. Identifiers: MedGen C0950123, MeSH D030342.

Submission:

Ambry Genetics
Classification: Uncertain significance for Inborn genetic diseases. Last evaluated: 2025-05-11. Review status: criteria provided, single submitter. Criteria: Ambry Variant Classification Scheme 2023. Collection method: clinical testing. Allele origin: germline.
Comment: The p.I874S variant (also known as c.2621T>G), located in coding exon 14 of the FANCM gene, results from a T to G substitution at nucleotide position 2621. The isoleucine at codon 874 is replaced by serine, an amino acid with dissimilar properties. This amino acid position is conserved. In addition, this alteration is predicted to be tolerated by in silico analysis. Based on the available evidence, the clinical significance of this variant remains unclear.